The following is an entry in ClinVar:

NM_018972.4(GDAP1):c.810C>T (p.Asn270=)

Gene: GDAP1 (ganglioside induced differentiation associated protein 1; plus strand). Cytogenetic location: 8q21.11.
Variant type: single nucleotide variant.
Coding change: c.810C>T on transcript NM_018972.4 (MANE Select); coding-DNA position 810, C replaced by T.
Protein change: p.Asn270=; no amino-acid change (asparagine 270 retained).
Molecular consequence: synonymous variant. On other transcripts: intron variant (1).
Genome position (GRCh38, 1-based): chr8:74,364,100, C>T. VCF-style: chr8-74364100-C-T. GRCh37 (hg19) VCF-style: chr8-75276335-C-T.
Other names: c.606C>T, p.Asn202= (NM_001040875.4); c.483C>T, p.Asn161= (NM_001362929.2, NM_001362932.2); c.636C>T, p.Asn212= (NM_001362930.2); c.694+1047C>T (NM_001362931.2).
Identifiers: ClinVar variation 700925 (VCV000700925.11), dbSNP rs144111413, ClinGen allele CA4785201.

ClinVar aggregate classification (germline): Likely benign. Review status: criteria provided, multiple submitters, no conflicts (2 of 4 stars). 2 submissions from 2 submitters: Likely benign (2). Last evaluated 2025-09-16.

Conditions:
Charcot-Marie-Tooth disease type 4A. Also called: Charcot-Marie-Tooth disease, demyelinating, autosomal recessive, type 4a. Identifiers: Orphanet 99948, MedGen C1859198, MONDO:0008961, OMIM 214400.

Allele frequency attached by ClinVar (database versions not stated): ExAC 0.00001; gnomAD exomes 0.00002; TOPMed 0.00004; gnomAD 0.00005 and 0.00006; ESP Exome Variant Server 0.00015.
gnomAD v4.1: 38 of 1,613,976 alleles (0.0024%); highest among the groups gnomAD compares: African/African-American, 0.015%; no homozygotes.

Submissions (2):

Labcorp Genetics (formerly Invitae), Labcorp
Classification: Likely benign for Charcot-Marie-Tooth disease type 4A. Last evaluated: 2025-09-16. Review status: criteria provided, single submitter. Criteria: Invitae Variant Classification Sherloc (09022015). Collection method: clinical testing. Allele origin: germline.

Athena Diagnostics
Classification: Likely benign. Last evaluated: 2025-01-14. Review status: criteria provided, single submitter. Criteria: Athena Diagnostics Criteria. Collection method: clinical testing. Allele origin: unknown.
Comment: Computational tools yielded predictions that this variant is unlikely to have an effect on normal RNA splicing. This nucleotide position exhibits low evolutionary conservation.